The following is an entry in ClinVar:

NC_000014.8:g.(?_23242799)_(23282627_?)dup

Gene: SLC7A7 (solute carrier family 7 member 7; minus strand). Cytogenetic location: 14q11.2.
Variant type: Duplication.
Identifiers: ClinVar variation 1062460 (VCV001062460.1).

ClinVar aggregate classification (germline): Uncertain significance (1 of 4 stars; one submission).

Conditions:
Lysinuric protein intolerance (LPI). Identifiers: Orphanet 470, MedGen C0268647, MONDO:0009109, OMIM 222700.

Submission:

Labcorp Genetics (formerly Invitae), Labcorp
Classification: Uncertain significance for Lysinuric protein intolerance. Last evaluated: 2020-03-07. Review status: criteria provided, single submitter. Criteria: Invitae Variant Classification Sherloc (09022015). Collection method: clinical testing. Allele origin: germline.
Comment: This variant results in a copy number gain of the genomic region encompassing the full coding sequence of the SLC7A7 gene. The boundaries of this event are unknown as they extend beyond the assayed region for this gene and therefore may encompass additional genes. As the precise location of this event is unknown, it may be in tandem or it may be located elsewhere in the genome. This variant has not been reported in the literature in individuals with SLC7A7-related conditions. Experimental studies and prediction algorithms are not available or were not evaluated, and the functional significance of this variant is currently unknown. In summary, the available evidence is currently insufficient to determine the role of this variant in disease. Therefore, it has been classified as a Variant of Uncertain Significance.